The following is an entry in ClinVar:

NM_006445.4(PRPF8):c.1235A>G (p.Asn412Ser)

Gene: PRPF8 (pre-mRNA processing factor 8; minus strand). Cytogenetic location: 17p13.3.
Variant type: single nucleotide variant.
Coding change: c.1235A>G on transcript NM_006445.4 (MANE Select); coding-DNA position 1235, A replaced by G.
Protein change: p.Asn412Ser; replaces asparagine 412 with serine.
Molecular consequence: missense variant.
Genome position (GRCh38, 1-based): chr17:1,679,663, T>C on the plus strand (A>G on the coding strand, the complement: PRPF8 is on the minus strand). VCF-style: chr17-1679663-T-C. GRCh37 (hg19) VCF-style: chr17-1582957-T-C.
Other names: short protein forms N412S.
Identifiers: ClinVar variation 966358 (VCV000966358.6), dbSNP rs778586970, ClinGen allele CA8272411.
Genomic context (GRCh38, chr17:1,679,663, plus strand): 5'-CCTTACCAGTTCTTGACAAGGGGTATGTCCAGGGCCCGACGGGTGCGACCAGAGCGTAGG[T>C]TGAAGGGCCGCGGGGCCCAGAGCAGGGCAATGCCATTGGCTGTATTGTCTGTATAGAGGG-3'
Protein context (NP_006436.3, residues 402-422): IALLWAPRPF[Asn412Ser]LRSGRTRRAL

ClinVar aggregate classification (germline): Uncertain significance. Review status: criteria provided, multiple submitters, no conflicts (2 of 4 stars). 2 submissions from 2 submitters: Uncertain significance (2). Last evaluated 2022-11-22.

Allele frequency attached by ClinVar (database versions not stated): ExAC 0.00001; gnomAD exomes 0.00001 and 0.00002; TOPMed 0.00001.
gnomAD v4.1: 12 of 1,613,972 alleles (0.00074%); highest among the groups gnomAD compares: Middle Eastern, 0.017%; no homozygotes.

Submissions (2):

Labcorp Genetics (formerly Invitae), Labcorp
Classification: Uncertain significance. Last evaluated: 2022-11-22. Review status: criteria provided, single submitter. Criteria: Invitae Variant Classification Sherloc (09022015). Collection method: clinical testing. Allele origin: germline.
Comment: In summary, the available evidence is currently insufficient to determine the role of this variant in disease. Therefore, it has been classified as a Variant of Uncertain Significance. Advanced modeling of protein sequence and biophysical properties (such as structural, functional, and spatial information, amino acid conservation, physicochemical variation, residue mobility, and thermodynamic stability) performed at Invitae indicates that this missense variant is not expected to disrupt PRPF8 protein function. ClinVar contains an entry for this variant (Variation ID: 966358). This variant has not been reported in the literature in individuals affected with PRPF8-related conditions. This variant is present in population databases (rs778586970, gnomAD 0.01%). This sequence change replaces asparagine, which is neutral and polar, with serine, which is neutral and polar, at codon 412 of the PRPF8 protein (p.Asn412Ser).

Blueprint Genetics
Classification: Uncertain significance. Last evaluated: 2019-12-31. Review status: criteria provided, single submitter. Criteria: ACMG Guidelines, 2015. Collection method: clinical testing. Allele origin: germline.